The following is an entry in ClinVar:

NM_152701.5(ABCA13):c.14667C>T (p.Pro4889=)

Gene: ABCA13 (ATP binding cassette subfamily A member 13; plus strand). Cytogenetic location: 7p12.3.
Variant type: single nucleotide variant.
Coding change: c.14667C>T on transcript NM_152701.5 (MANE Select); coding-DNA position 14667, C replaced by T.
Protein change: p.Pro4889=; no amino-acid change (proline 4889 retained).
Molecular consequence: synonymous variant.
Genome position (GRCh38, 1-based): chr7:48,594,736, C>T. VCF-style: chr7-48594736-C-T. GRCh37 (hg19) VCF-style: chr7-48634332-C-T.
Identifiers: ClinVar variation 3388608 (VCV003388608.14).

ClinVar aggregate classification (germline): Likely benign (1 of 4 stars; one submission).

gnomAD v4.1: 65 of 1,613,928 alleles (0.004%); highest among the groups gnomAD compares: Middle Eastern, 0.033%; no homozygotes.

Submission:

CeGaT Center for Human Genetics Tuebingen
Classification: Likely benign. Last evaluated: 2024-10-01. Review status: criteria provided, single submitter. Criteria: CeGaT Center For Human Genetics Tuebingen Variant Classification Criteria Version 2. Collection method: clinical testing. Allele origin: germline. Affected: yes. Observed: 1 variant allele.
Comment: ABCA13: BP4, BP7